The following is an entry in ClinVar:

NM_206937.2(LIG4):c.2143T>A (p.Ser715Thr)

Gene: LIG4 (DNA ligase 4; minus strand). Cytogenetic location: 13q33.3.
Variant type: single nucleotide variant.
Coding change: c.2143T>A on transcript NM_206937.2 (MANE Select); coding-DNA position 2143, T replaced by A.
Protein change: p.Ser715Thr; replaces serine 715 with threonine.
Molecular consequence: missense variant.
Genome position (GRCh38, 1-based): chr13:108,209,126, A>T on the plus strand (T>A on the coding strand, the complement: LIG4 is on the minus strand). VCF-style: chr13-108209126-A-T. GRCh37 (hg19) VCF-style: chr13-108861474-A-T.
Other names: c.2143T>A, p.Ser715Thr (NM_001098268.2, NM_001352598.2, NM_001352599.2 and 6 more transcripts); c.1942T>A, p.Ser648Thr (NM_001330595.2); c.2179T>A, p.Ser727Thr (NM_001352604.2); short protein forms S648T, S727T, S715T.
Identifiers: ClinVar variation 2111244 (VCV002111244.2), dbSNP rs866407813, ClinGen allele CA388613932.

ClinVar aggregate classification (germline): Uncertain significance. Review status: criteria provided, multiple submitters, no conflicts (2 of 4 stars). 2 submissions from 2 submitters: Uncertain significance (2). Last evaluated 2024-03-07.

Conditions:
DNA ligase IV deficiency. Identifiers: Orphanet 99812, MedGen C1847827, MONDO:0011686, OMIM 606593.
Inborn genetic diseases. Identifiers: MedGen C0950123, MeSH D030342.

Allele frequency attached by ClinVar (database versions not stated): TOPMed below 0.00001.

Submissions (2):

Ambry Genetics
Classification: Uncertain significance for Inborn genetic diseases. Last evaluated: 2024-03-07. Review status: criteria provided, single submitter. Criteria: Ambry Variant Classification Scheme 2023. Collection method: clinical testing. Allele origin: germline.

Labcorp Genetics (formerly Invitae), Labcorp
Classification: Uncertain significance for DNA ligase IV deficiency. Last evaluated: 2022-03-13. Review status: criteria provided, single submitter. Criteria: Invitae Variant Classification Sherloc (09022015). Collection method: clinical testing. Allele origin: germline.
Comment: This sequence change replaces serine, which is neutral and polar, with threonine, which is neutral and polar, at codon 715 of the LIG4 protein (p.Ser715Thr). This variant is not present in population databases (gnomAD no frequency). This variant has not been reported in the literature in individuals affected with LIG4-related conditions. Algorithms developed to predict the effect of missense changes on protein structure and function (SIFT, PolyPhen-2, Align-GVGD) all suggest that this variant is likely to be tolerated. In summary, the available evidence is currently insufficient to determine the role of this variant in disease. Therefore, it has been classified as a Variant of Uncertain Significance.